The following is an entry in ClinVar:

NM_000202.8(IDS):c.1011G>A (p.Trp337Ter)

Genes: IDS (iduronate 2-sulfatase; minus strand), LOC106050102 (IDS recombination region; plus strand). Cytogenetic location: Xq28.
Variant type: single nucleotide variant.
Coding change: c.1011G>A on transcript NM_000202.8 (MANE Select); coding-DNA position 1011, G replaced by A.
Protein change: p.Trp337Ter; replaces tryptophan 337 with a stop codon.
Molecular consequence: nonsense.
Genome position (GRCh38, 1-based): chrX:149,487,094, C>T on the plus strand (G>A on the coding strand, the complement: IDS is on the minus strand). VCF-style: chrX-149487094-C-T. GRCh37 (hg19) VCF-style: chrX-148568625-C-T.
Other names: NC_000023.10:g.148568625C>T; c.741G>A, p.Trp247Ter (NM_001166550.4); short protein forms W247*, W337*.
Identifiers: ClinVar variation 3255919 (VCV003255919.3).

ClinVar aggregate classification (germline): Pathogenic (1 of 4 stars; one submission).

Conditions:
Mucopolysaccharidosis, MPS-II (MPS2). Also called: Hunter Syndrome; IDURONATE 2-SULFATASE DEFICIENCY; Mucopolysaccharidosis Type II; Mucopolysaccharidosis type 2; Attenuated MPS (subtype; formerly known as mild MPS II); Severe MPS II. Identifiers: Orphanet 580, Orphanet 79388, MedGen C0026705, MONDO:0010674, OMIM 309900.

Submissions (2):

Laboratory of Diagnosis and Therapy of Lysosomal Disorders, University of Padova
Classification: Pathogenic for Mucopolysaccharidosis, MPS-II. Last evaluated: 2024-06-07. Review status: criteria provided, single submitter. Criteria: ACMG Guidelines, 2015. Collection method: literature only. Allele origin: germline. Affected: yes. Observed: 1 variant allele.
Comment: Null variant (PVS1_VeryStrong), Absent from controls (or at low frequency) in gnomAD database (PM2_Moderate), Patient’s phenotype or family history highly specific for the disease (PP4_Strong)

Classification method: ACMG Guidelines [PMID:25741868] with modifications

Dr. Peter K. Rogan Lab, Western University
No classification provided (evidence only). Condition: Nonpapillary renal cell carcinoma. Review status: no classification provided. Collection method: in vitro. Allele origin: not applicable. Functional consequence: retained intron. Not counted in ClinVar's aggregate classification.

Literature cited by the submitters: PubMed 27246110 (cited by Laboratory of Diagnosis and Therapy of Lysosomal Disorders, University of Padova).